The following is an entry in ClinVar:

NM_003200.5(TCF3):c.329C>G (p.Ser110Cys)

Gene: TCF3 (transcription factor 3; minus strand). Cytogenetic location: 19p13.3.
Variant type: single nucleotide variant.
Coding change: c.329C>G on transcript NM_003200.5 (MANE Select); coding-DNA position 329, C replaced by G.
Protein change: p.Ser110Cys; replaces serine 110 with cysteine.
Molecular consequence: missense variant.
Genome position (GRCh38, 1-based): chr19:1,627,396, G>C on the plus strand (C>G on the coding strand, the complement: TCF3 is on the minus strand). VCF-style: chr19-1627396-G-C. GRCh37 (hg19) VCF-style: chr19-1627395-G-C.
Other names: c.329C>G, p.Ser110Cys (NM_001136139.4, NM_001351778.2, NM_001351779.2); short protein forms S110C.
Identifiers: ClinVar variation 2760467 (VCV002760467.3), dbSNP rs2513936932, ClinGen allele CA403057388.
Genomic context (GRCh38, chr19:1,627,396, plus strand): 5'-CCAGCCCGGCCCGAGCCCCTCACCTGAGTCAGGCCGCCCACGCCTGCGTCTCTCCCGAAG[G>C]AGGCATAGGCGCCCCGCTCACCGCTCTTGCCTGCAAGGGGAGAAGGAAGGTTAGTGGGAG-3'
Protein context (NP_003191.1, residues 100-120): GKSGERGAYA[Ser110Cys]FGRDAGVGGL

ClinVar aggregate classification (germline): Uncertain significance (1 of 4 stars; one submission).

gnomAD v4.1: 1 of 1,612,098 alleles (0.000062%); highest among the groups gnomAD compares: Non-Finnish European, 0.000085%; no homozygotes.

Submission:

Labcorp Genetics (formerly Invitae), Labcorp
Classification: Uncertain significance. Last evaluated: 2023-09-12. Review status: criteria provided, single submitter. Criteria: Invitae Variant Classification Sherloc (09022015). Collection method: clinical testing. Allele origin: germline.
Comment: In summary, the available evidence is currently insufficient to determine the role of this variant in disease. Therefore, it has been classified as a Variant of Uncertain Significance. Advanced modeling of protein sequence and biophysical properties (such as structural, functional, and spatial information, amino acid conservation, physicochemical variation, residue mobility, and thermodynamic stability) performed at Invitae indicates that this missense variant is not expected to disrupt TCF3 protein function. This variant has not been reported in the literature in individuals affected with TCF3-related conditions. This variant is not present in population databases (gnomAD no frequency). This sequence change replaces serine, which is neutral and polar, with cysteine, which is neutral and slightly polar, at codon 110 of the TCF3 protein (p.Ser110Cys).